The following is an entry in ClinVar:

ClinVar aggregate classification (germline): Uncertain significance. Review status: criteria provided, multiple submitters, no conflicts (2 of 4 stars). 2 submissions from 2 submitters: Uncertain significance (2). Last evaluated 2025-04-24.

Conditions:
Ehlers-Danlos syndrome, type 4 (EDSVASC). Also called: Ehlers-Danlos syndrome vascular type; Ehlers Danlos syndrome, ecchymotic type; Ehlers Danlos syndrome, arterial type; Ehlers Danlos syndrome, Sack-Barabas type; Ehlers-Danlos Syndrome Type IV. Identifiers: Orphanet 286, MedGen C0268338, MONDO:0017314, OMIM 130050.

gnomAD v4.1: 1 of 1,613,796 alleles (0.000062%); highest among the groups gnomAD compares: Non-Finnish European, 0.000085%; no homozygotes.

Submissions (2):

GeneDx
Classification: Uncertain significance. Last evaluated: 2025-04-24. Review status: criteria provided, single submitter. Criteria: GeneDx Variant Classification Process June 2021. Collection method: clinical testing. Allele origin: germline. Affected: yes.
Comment: Has not been previously published as pathogenic or benign to our knowledge; Not observed at significant frequency in large population cohorts (gnomAD); In silico analysis indicates that this missense variant does not alter protein structure/function

Labcorp Genetics (formerly Invitae), Labcorp
Classification: Uncertain significance for Ehlers-Danlos syndrome, type 4. Last evaluated: 2021-07-31. Review status: criteria provided, single submitter. Criteria: Invitae Variant Classification Sherloc (09022015). Collection method: clinical testing. Allele origin: germline.
Comment: This sequence change replaces arginine with leucine at codon 878 of the COL3A1 protein (p.Arg878Leu). The arginine residue is highly conserved and there is a moderate physicochemical difference between arginine and leucine. This variant is not present in population databases (ExAC no frequency). In summary, the available evidence is currently insufficient to determine the role of this variant in disease. Therefore, it has been classified as a Variant of Uncertain Significance. Advanced modeling of protein sequence and biophysical properties (such as structural, functional, and spatial information, amino acid conservation, physicochemical variation, residue mobility, and thermodynamic stability) performed at Invitae indicates that this missense variant is not expected to disrupt COL3A1 protein function. This variant has not been reported in the literature in individuals affected with COL3A1-related conditions.

NM_000090.4(COL3A1):c.2633G>T (p.Arg878Leu)

Gene: COL3A1 (collagen type III alpha 1 chain; plus strand). Cytogenetic location: 2q32.2.
Variant type: single nucleotide variant.
Coding change: c.2633G>T on transcript NM_000090.4 (MANE Select); coding-DNA position 2633, G replaced by T.
Protein change: p.Arg878Leu; replaces arginine 878 with leucine.
Molecular consequence: missense variant.
Genome position (GRCh38, 1-based): chr2:189,003,759, G>T. VCF-style: chr2-189003759-G-T. GRCh37 (hg19) VCF-style: chr2-189868485-G-T.
Other names: c.2633G>T (NM_000090.3); short protein forms R878L.
Identifiers: ClinVar variation 1435377 (VCV001435377.7), dbSNP rs1419949637, ClinGen allele CA349843587.
Genomic context (GRCh38, chr2:189,003,759, plus strand): 5'-CTTTTGAAATTCAAAAATATATTACCATTTCACAGGGTGCTGCTGGCTTCCCTGGTGCTC[G>T]TGGTCTTCCTGGTCCTCCTGGTAGTAATGTAAGTAATTGTTAAAGTCTTTTCTCATCATA-3'
Protein context (NP_000081.2, residues 868-888): GPGAAGFPGA[Arg878Leu]GLPGPPGSNG